The following is an entry in ClinVar:

ClinVar aggregate classification (germline): Uncertain significance (1 of 4 stars; one submission).

Submission:

CeGaT Center for Human Genetics Tuebingen
Classification: Uncertain significance. Last evaluated: 2026-06-01. Review status: criteria provided, single submitter. Criteria: CeGaT Center For Human Genetics Tuebingen Variant Classification Criteria Version 2. Collection method: clinical testing. Allele origin: germline. Affected: yes. Observed: 1 variant allele.
Comment: KDM4B: PM2, PP2, PP3

NM_015015.3(KDM4B):c.835G>A (p.Gly279Ser)

Gene: KDM4B (lysine demethylase 4B; plus strand). Cytogenetic location: 19p13.3.
Variant type: single nucleotide variant.
Coding change: c.835G>A on transcript NM_015015.3 (MANE Select); coding-DNA position 835, G replaced by A.
Protein change: p.Gly279Ser; replaces glycine 279 with serine.
Molecular consequence: missense variant.
Genome position (GRCh38, 1-based): chr19:5,082,421, G>A. VCF-style: chr19-5082421-G-A. GRCh37 (hg19) VCF-style: chr19-5082432-G-A.
Other names: c.835G>A, p.Gly279Ser (NM_001411148.1, NM_001370093.1, NM_001370094.1); short protein forms G279S.
Identifiers: ClinVar variation 4874292 (VCV004874292.2).
Genomic context (GRCh38, chr19:5,082,421, plus strand): 5'-CTGCAGATCACGCAGGAGGCCGGGGAATTCATGATCACATTTCCCTACGGCTACCACGCC[G>A]GCTTCAATCACGGGTTCAACTGCGCAGAATCTACCAACTTCGCCACCCTGCGGTGGATTG-3'
Protein context (NP_055830.1, residues 269-289): MITFPYGYHA[Gly279Ser]FNHGFNCAES